The following is an entry in ClinVar:

NM_198428.3(BBS9):c.682G>T (p.Gly228Cys)

Gene: BBS9 (Bardet-Biedl syndrome 9; plus strand). Cytogenetic location: 7p14.3.
Variant type: single nucleotide variant.
Coding change: c.682G>T on transcript NM_198428.3 (MANE Select); coding-DNA position 682, G replaced by T.
Protein change: p.Gly228Cys; replaces glycine 228 with cysteine.
Molecular consequence: missense variant. On other transcripts: non-coding transcript variant (3).
Genome position (GRCh38, 1-based): chr7:33,264,354, G>T. VCF-style: chr7-33264354-G-T. GRCh37 (hg19) VCF-style: chr7-33303966-G-T.
Other names: c.682G>T, p.Gly228Cys (NM_001033604.2, NM_001033605.2, NM_001348036.1 and 5 more transcripts); c.316G>T, p.Gly106Cys (NM_001348037.3, NM_001348044.3, NM_001348045.3 and 1 more transcripts); c.409G>T, p.Gly137Cys (NM_001348038.3, NM_001348039.3); c.547G>T, p.Gly183Cys (NM_001348042.3); short protein forms G106C, G137C, G183C, G228C.
Identifiers: ClinVar variation 3346539 (VCV003346539.1).

ClinVar aggregate classification (germline): Uncertain significance (0 of 4 stars; one submission).

Conditions:
BBS9-related disorder. Also called: BBS9-related condition.

Submission:

PreventionGenetics, part of Exact Sciences
Classification: Uncertain significance for BBS9-related condition. Last evaluated: 2024-06-15. Review status: no assertion criteria provided. Collection method: clinical testing. Allele origin: germline.
Comment: The BBS9 c.682G>T variant is predicted to result in the amino acid substitution p.Gly228Cys. To our knowledge, this variant has not been reported in the literature or in a large population database, indicating this variant is rare. At this time, the clinical significance of this variant is uncertain due to the absence of conclusive functional and genetic evidence.